The following is an entry in ClinVar:

NM_012233.3(RAB3GAP1):c.2713G>T (p.Ala905Ser)

Gene: RAB3GAP1 (RAB3 GTPase activating protein catalytic subunit 1; plus strand). Cytogenetic location: 2q21.3.
Variant type: single nucleotide variant.
Coding change: c.2713G>T on transcript NM_012233.3 (MANE Select); coding-DNA position 2713, G replaced by T.
Protein change: p.Ala905Ser; replaces alanine 905 with serine.
Molecular consequence: missense variant.
Genome position (GRCh38, 1-based): chr2:135,168,548, G>T. VCF-style: chr2-135168548-G-T. GRCh37 (hg19) VCF-style: chr2-135926118-G-T.
Other names: c.2734G>T, p.Ala912Ser (NM_001172435.2); short protein forms A905S, A912S.
Identifiers: ClinVar variation 1974645 (VCV001974645.5), dbSNP rs1692732204, ClinGen allele CA348588308.

ClinVar aggregate classification (germline): Uncertain significance (1 of 4 stars; one submission).

Submission:

Labcorp Genetics (formerly Invitae), Labcorp
Classification: Uncertain significance. Last evaluated: 2023-11-10. Review status: criteria provided, single submitter. Criteria: Invitae Variant Classification Sherloc (09022015). Collection method: clinical testing. Allele origin: germline.
Comment: This sequence change replaces alanine, which is neutral and non-polar, with serine, which is neutral and polar, at codon 905 of the RAB3GAP1 protein (p.Ala905Ser). This variant is not present in population databases (gnomAD no frequency). This variant has not been reported in the literature in individuals affected with RAB3GAP1-related conditions. ClinVar contains an entry for this variant (Variation ID: 1974645). An algorithm developed to predict the effect of missense changes on protein structure and function (PolyPhen-2) suggests that this variant is likely to be tolerated. In summary, the available evidence is currently insufficient to determine the role of this variant in disease. Therefore, it has been classified as a Variant of Uncertain Significance.